The following is an entry in ClinVar:

NM_001852.4(COL9A2):c.1240_1258dup (p.Gln420fs)

Gene: COL9A2 (collagen type IX alpha 2 chain; minus strand). Cytogenetic location: 1p34.2.
Variant type: Duplication.
Coding change: c.1240_1258dup on transcript NM_001852.4 (MANE Select); coding-DNA positions 1240 to 1258, 19 bases duplicated (CCCGGAATTCCAGGGCCCC).
Protein change: p.Gln420fs; shifts the reading frame from glutamine 420.
Molecular consequence: frameshift variant.
Genome position (GRCh38, 1-based): chr1:40,304,349-40,304,367, GGGGCCCTGGAATTCCGGG duplicated on the plus strand (CCCGGAATTCCAGGGCCCC on the coding strand, the reverse complement: COL9A2 is on the minus strand); duplicating any 19 consecutive bases within chr1:40,304,349-40,304,376 gives the same sequence; the c. name uses the placement nearest the transcript's 3' end. VCF-style (leftmost placement, unchanged base first): chr1-40304348-T-TGGGGCCCTGGAATTCCGGG. GRCh37 (hg19) VCF-style: chr1-40770020-T-TGGGGCCCTGGAATTCCGGG.
Other names: c.1240_1258dupCCCGGAATTCCAGGGCCCC (NM_001852.3); short protein forms Q420fs.
Identifiers: ClinVar variation 452668 (VCV000452668.2), dbSNP rs1490502664, ClinGen allele CA522428790.

ClinVar aggregate classification (germline): Uncertain significance (1 of 4 stars; one submission).

Submission:

GeneDx
Classification: Uncertain significance. Last evaluated: 2017-10-03. Review status: criteria provided, single submitter. Criteria: GeneDx Variant Classification (06012015). Collection method: clinical testing. Allele origin: germline. Affected: yes.
Comment: The c.1240_1258dup19 variant in the COL9A2 gene has not been reported previously as a pathogenic variant nor as a benign variant, to our knowledge. The c.1240_1258dup19 variant causes a frameshift starting with codon Glutamine 420, changes this amino acid to a Proline residue, and creates a premature Stop codon at position 30 of the new reading frame, denoted p.Gln420ProfsX30. This variant is predicted to cause loss of normal protein function either through protein truncation or nonsense-mediated mRNA decay. The c.1240_1258dup19 variant is not observed in large population cohorts (Lek et al., 2016). We interpret c.1240_1258dup19 as a variant of uncertain significance.